The following is an entry in ClinVar:

ClinVar aggregate classification (germline): Uncertain significance. Review status: criteria provided, multiple submitters, no conflicts (2 of 4 stars). 2 submissions from 2 submitters: Uncertain significance (2). Last evaluated 2025-09-05.

Conditions:
Autosomal recessive limb-girdle muscular dystrophy type R18 (LGMDR18). Also called: Limb-girdle muscular dystrophy, type 2S; MUSCULAR DYSTROPHY, LIMB-GIRDLE, AUTOSOMAL RECESSIVE 18; Autosomal recessive limb-girdle muscular dystrophy type 2S. Identifiers: Orphanet 369840, MedGen C4517996, MONDO:0014144, OMIM 615356.

Allele frequency attached by ClinVar (database versions not stated): gnomAD exomes 0.00001; ExAC 0.00003; gnomAD 0.00003; TOPMed 0.00003.
gnomAD v4.1: 20 of 1,607,370 alleles (0.0012%); highest among the groups gnomAD compares: African/African-American, 0.0054%; 1 homozygote.

Submissions (2):

Labcorp Genetics (formerly Invitae), Labcorp
Classification: Uncertain significance for Autosomal recessive limb-girdle muscular dystrophy type R18. Last evaluated: 2025-09-05. Review status: criteria provided, single submitter. Criteria: Invitae Variant Classification Sherloc (09022015). Collection method: clinical testing. Allele origin: germline.
Comment: This sequence change replaces valine, which is neutral and non-polar, with isoleucine, which is neutral and non-polar, at codon 865 of the TRAPPC11 protein (p.Val865Ile). This variant is present in population databases (rs776631490, gnomAD 0.01%). This variant has not been reported in the literature in individuals affected with TRAPPC11-related conditions. ClinVar contains an entry for this variant (Variation ID: 2147584). Invitae Evidence Modeling of protein sequence and biophysical properties (such as structural, functional, and spatial information, amino acid conservation, physicochemical variation, residue mobility, and thermodynamic stability) indicates that this missense variant is not expected to disrupt TRAPPC11 protein function with a negative predictive value of 80%. In summary, the available evidence is currently insufficient to determine the role of this variant in disease. Therefore, it has been classified as a Variant of Uncertain Significance.

Revvity Omics, Revvity
Classification: Uncertain significance for Autosomal recessive limb-girdle muscular dystrophy type R18. Last evaluated: 2019-10-24. Review status: criteria provided, single submitter. Criteria: ACMG Guidelines, 2015. Collection method: clinical testing. Allele origin: germline.

NM_021942.6(TRAPPC11):c.2593G>A (p.Val865Ile)

Gene: TRAPPC11 (trafficking protein particle complex subunit 11; plus strand). Cytogenetic location: 4q35.1.
Variant type: single nucleotide variant.
Coding change: c.2593G>A on transcript NM_021942.6 (MANE Select); coding-DNA position 2593, G replaced by A.
Protein change: p.Val865Ile; replaces valine 865 with isoleucine.
Molecular consequence: missense variant.
Genome position (GRCh38, 1-based): chr4:183,694,688, G>A. VCF-style: chr4-183694688-G-A. GRCh37 (hg19) VCF-style: chr4-184615841-G-A.
Other names: c.2593G>A, p.Val865Ile (NM_199053.3); c.2593G>A (NM_021942.5); short protein forms V865I.
Identifiers: ClinVar variation 2147584 (VCV002147584.5), dbSNP rs776631490, ClinGen allele CA3152237.
Genomic context (GRCh38, chr4:183,694,688, plus strand): 5'-TGTGGAACAGTGGGTTCCAGAATGTTTCTTGTATATGTTTCTTACCTGATAAATACAACC[G>A]TTGAAGAAAAAGAAATTGTTTGCAAGTGTCACAAGGTATTTTTTTATAGCTACTTTATAA-3'
Protein context (NP_068761.4, residues 855-875): VYVSYLINTT[Val865Ile]EEKEIVCKCH